The following is an entry in ClinVar:

ClinVar aggregate classification (germline): Benign (1 of 4 stars; one submission).

Conditions:
Macular corneal dystrophy (MCD). Also called: GROENOUW TYPE II CORNEAL DYSTROPHY; Macular corneal dystrophy Type I. Identifiers: Orphanet 98969, MedGen C1636149, MONDO:0009020, OMIM 217800.

Allele frequency attached by ClinVar (database versions not stated): TOPMed 0.00204; gnomAD 0.00220; 1000 Genomes Project 30x 0.00531; 1000 Genomes Project 0.00599.
gnomAD v4.1: 433 of 384,730 alleles (0.11%); highest among the groups gnomAD compares: African/African-American, 0.68%; 2 homozygotes.

Submission:

Illumina Laboratory Services, Illumina
Classification: Benign for Macular corneal dystrophy. Last evaluated: 2018-01-13. Review status: criteria provided, single submitter. Criteria: ICSL Variant Classification Criteria 13 December 2019. Collection method: clinical testing. Allele origin: germline.
Comment: This variant was observed in the ICSL laboratory as part of a predisposition screen in an ostensibly healthy population. It had not been previously curated by ICSL or reported in the Human Gene Mutation Database (HGMD: prior to June 1st, 2018), and was therefore a candidate for classification through an automated scoring system. Utilizing variant allele frequency, disease prevalence and penetrance estimates, and inheritance mode, an automated score was calculated to assess if this variant is too frequent to cause the disease. Based on the score and internal cut-off values, a variant classified as benign is not then subjected to further curation. The score for this variant resulted in a classification of benign for this disease.

NM_021615.5(CHST6):c.*3750C>A

Gene: CHST6 (carbohydrate sulfotransferase 6; minus strand). Cytogenetic location: 16q23.1.
Variant type: single nucleotide variant.
Coding change: c.*3750C>A on transcript NM_021615.5 (MANE Select); 3750 bases downstream of the stop codon, C replaced by A.
Molecular consequence: 3 prime UTR variant.
Genome position (GRCh38, 1-based): chr16:75,474,891, G>T on the plus strand (C>A on the coding strand, the complement: CHST6 is on the minus strand). VCF-style: chr16-75474891-G-T. GRCh37 (hg19) VCF-style: chr16-75508789-G-T.
Identifiers: ClinVar variation 320530 (VCV000320530.5), dbSNP rs142693604, ClinGen allele CA10638373.
Genomic context (GRCh38, chr16:75,474,891, plus strand): 5'-TGTTGCCCAGGCTGGAGTACAGTGGTGCGATCTCAGCTCACTGCAATCTCTGCCTCCTGG[G>T]TTCAAGCGATTCTCCTGTCTCAGCCTCCCAAGTAGCTGGCCTTACAGGCATGTGCCACCA-3'